The following is an entry in ClinVar:

ClinVar aggregate classification (germline): Likely benign (0 of 4 stars; one submission).

Conditions:
LZTFL1-related disorder. Also called: LZTFL1-related condition.

gnomAD v4.1: 1 of 1,612,488 alleles (0.000062%); highest among the groups gnomAD compares: African/African-American, 0.0013%; no homozygotes.

Submission:

PreventionGenetics, part of Exact Sciences
Classification: Likely benign for LZTFL1-related condition. Last evaluated: 2020-10-05. Review status: no assertion criteria provided. Collection method: clinical testing. Allele origin: germline.
Comment: This variant is classified as likely benign based on ACMG/AMP sequence variant interpretation guidelines (Richards et al. 2015 PMID: 25741868, with internal and published modifications).

NM_020347.4(LZTFL1):c.894A>G (p.Glu298=)

Gene: LZTFL1 (leucine zipper transcription factor like 1; minus strand). Cytogenetic location: 3p21.31.
Variant type: single nucleotide variant.
Coding change: c.894A>G on transcript NM_020347.4 (MANE Select); coding-DNA position 894, A replaced by G.
Protein change: p.Glu298=; no amino-acid change (glutamic acid 298 retained).
Molecular consequence: synonymous variant. On other transcripts: 3 prime UTR variant (6), non-coding transcript variant (2).
Genome position (GRCh38, 1-based): chr3:45,826,320, T>C on the plus strand (A>G on the coding strand, the complement: LZTFL1 is on the minus strand). VCF-style: chr3-45826320-T-C. GRCh37 (hg19) VCF-style: chr3-45867812-T-C.
Other names: c.843A>G, p.Glu281= (NM_001276378.2, NM_001386451.1, NM_001405922.1 and 1 more transcripts); c.*7A>G (NM_001276379.2, NM_001386452.1, NM_001405925.1 and 3 more transcripts); c.918A>G, p.Glu306= (NM_001405920.1); c.882A>G, p.Glu294= (NM_001405921.1); c.828A>G, p.Glu276= (NM_001405924.1).
Identifiers: ClinVar variation 3352038 (VCV003352038.1).
Genomic context (GRCh38, chr3:45,826,320, plus strand): 5'-GGTGAGACTGCTTGTATGTTTGCATGTGGTAGCTTCCAGAGGAAATCTTCAGTTTTAATC[T>C]TCAGGTTCATATCTGGAGATATAAATTAAGAACACAATGTCAGGATACCTTTTGTTGTTG-3'
Protein context (NP_065080.1, residues 288-299): LRKRLAQYEP[Glu298=]D